The following is an entry in ClinVar:

NM_001127671.2(LIFR):c.2326_2327dup (p.Leu776fs)

Gene: LIFR (LIF receptor subunit alpha; minus strand). Cytogenetic location: 5p13.1.
Variant type: Duplication.
Coding change: c.2326_2327dup on transcript NM_001127671.2 (MANE Select); coding-DNA positions 2326 to 2327, 2 bases duplicated (TT; older notation c.2326_2327dupTT).
Protein change: p.Leu776fs; shifts the reading frame from leucine 776.
Molecular consequence: frameshift variant.
Genome position (GRCh38, 1-based): chr5:38,489,086-38,489,087, AA duplicated on the plus strand (TT on the coding strand, the reverse complement: LIFR is on the minus strand); duplicating any 2 consecutive bases within chr5:38,489,086-38,489,089 gives the same sequence; the c. name uses the placement nearest the transcript's 3' end. VCF-style (leftmost placement, unchanged base first): chr5-38489085-T-TAA. GRCh37 (hg19) VCF-style: chr5-38489187-T-TAA.
Other names: c.2326_2327dup, p.Leu776fs (NM_001364297.2, NM_001364298.2, NM_002310.6); short protein forms L776fs.
Identifiers: ClinVar variation 1071656 (VCV001071656.7), dbSNP rs1744436254, ClinGen allele CA2499217849.

ClinVar aggregate classification (germline): Pathogenic (1 of 4 stars; one submission).

Submission:

Labcorp Genetics (formerly Invitae), Labcorp
Classification: Pathogenic. Last evaluated: 2020-08-27. Review status: criteria provided, single submitter. Criteria: Invitae Variant Classification Sherloc (09022015). Collection method: clinical testing. Allele origin: germline.
Comment: This sequence change creates a premature translational stop signal (p.Leu776Phefs*2) in the LIFR gene. It is expected to result in an absent or disrupted protein product. This variant is not present in population databases (ExAC no frequency). This variant has not been reported in the literature in individuals with LIFR-related conditions. Loss-of-function variants in LIFR are known to be pathogenic (PMID: 14740318). For these reasons, this variant has been classified as Pathogenic.

Literature cited by the submitters: PubMed 14740318.